The following is an entry in ClinVar:

ClinVar aggregate classification (germline): Pathogenic (1 of 4 stars; one submission).

Submission:

Labcorp Genetics (formerly Invitae), Labcorp
Classification: Pathogenic. Last evaluated: 2020-12-13. Review status: criteria provided, single submitter. Criteria: Invitae Variant Classification Sherloc (09022015). Collection method: clinical testing. Allele origin: germline.
Comment: For these reasons, this variant has been classified as Pathogenic. This variant has been observed in individual(s) with retinitis pigmentosa (PMID: 12714658). It has also been observed to segregate with disease in related individuals. This variant is also known as p.H276fsX277. This variant is not present in population databases (ExAC no frequency). This sequence change creates a premature translational stop signal (p.His276Glnfs*2) in the PRPF31 gene. It is expected to result in an absent or disrupted protein product. Loss-of-function variants in PRPF31 are known to be pathogenic (PMID: 18317597, 23950152).

Literature cited by the submitters: PubMed 12714658; PubMed 18317597; PubMed 23950152.

NM_015629.4(PRPF31):c.828_829del (p.His276fs)

Gene: PRPF31 (pre-mRNA processing factor 31; plus strand). Cytogenetic location: 19q13.42.
Variant type: Microsatellite.
Coding change: c.828_829del on transcript NM_015629.4 (MANE Select); coding-DNA positions 828 to 829, 2 bases deleted (CA; older notation c.828_829delCA).
Protein change: p.His276fs; shifts the reading frame from histidine 276.
Molecular consequence: frameshift variant.
Genome position (GRCh38, 1-based): chr19:54,124,629-54,124,630, CA deleted; deleting any 2 consecutive bases within chr19:54,124,627-54,124,630 gives the same sequence; the c. name uses the placement nearest the transcript's 3' end. VCF-style (leftmost placement, unchanged base first): chr19-54124626-CCA-C. GRCh37 (hg19) VCF-style: chr19-54628005-CCA-C.
Other names: short protein forms H276fs.
Identifiers: ClinVar variation 1416229 (VCV001416229.8), dbSNP rs2146425937, ClinGen allele CA2573130426.